The following is an entry in ClinVar:

GRCh38/hg38 4q24(chr4:106170998-106171368)x0

Gene: TBCK (TBC1 domain containing kinase; minus strand). Cytogenetic location: 4q24.
Variant type: copy number loss.
Change: copy number 0 (both copies lost) of chr4:106,170,998-106,171,368 (0.4 kb, GRCh38 coordinates, 1-based), cytogenetic band 4q24.
Identifiers: ClinVar variation 2579177 (VCV002579177.1).

ClinVar aggregate classification (germline): Pathogenic (1 of 4 stars; one submission).

Conditions:
Hypotonia, infantile, with psychomotor retardation and characteristic facies 3 (IHPRF3). Also called: TBCK-Related Neurodevelopmental Disorder. Identifiers: Orphanet 488632, MedGen C5567480, MONDO:0014823, OMIM 616900.

Submission:

Broad Center for Mendelian Genomics, Broad Institute of MIT and Harvard
Classification: Pathogenic for Hypotonia, infantile, with psychomotor retardation and characteristic facies 3. Last evaluated: 2023-08-24. Review status: criteria provided, single submitter. Criteria: ACMG/ClinGen CNV Guidelines, 2019. Collection method: research. Allele origin: unknown. Inheritance: Autosomal recessive inheritance. Affected: yes.
Comment: These breakpoints have been estimated by exome sequencing only and therefore may not reflect the true breakpoints. Inheritance information is unavailable. The patient phenotype is nonspecific, but is consistent with cases described in the literature and/or published databases with overlapping variants. An exon 23 deletion in TBCK has been reported in ClinVar (Variation ID: 638602) and has been interpreted as likely pathogenic by the Undiagnosed Diseases Network (NIH). This exon deletion has also been reported in three individuals in the literature with hypotonia (PMID: 32190976, 33001864). Of these three affected individuals, one was a compound heterozygote who carried a reported pathogenic variant with unknown phase and two were homozygotes, which increases the likelihood that this variant is pathogenic (Variation ID: 636243; PMID: 32190976, 33001864). This intragenic variant is predicted to cause a frameshift, which alters the protein’s amino acid sequence beginning at exon 23 and leads to a premature termination codon. This alteration is then predicted to lead to a truncated or absent protein. Loss of function of TBCK is an established disease mechanism in autosomal recessive infantile hypotonia with psychomotor delay and characteristic facies. Two overlapping deletions of similar genetic content to this variant have been identified in 0.028% (6/21694) of chromosomes by the Genome Aggregation Database (gnomAD; Structural variant: DEL_4_48669, DEL_4_48671). Although deletions overlapping the region of this CNV have been seen in the general population in a heterozygous state, its frequency is not high enough to rule out a pathogenic role. RNAseq analysis performed on affected tissue shows decreased expression of this gene (PMID: 33001864). In summary, this variant meets criteria to be classified as pathogenic for autosomal recessive infantile hypotonia with psychomotor delay and characteristic facies. The ACMG/ClinGen evidence codes and points used in this curation are as follows: 1: 0 points, 2: 0.9 points, 3: 0 points, 4-5: 0.45 points; Functional data: 0.15 points. Total: 1.50 points; Riggs 2020 (PMID: 31690835).

Literature cited by the submitters: PubMed 32190976; PubMed 33001864.